The following is an entry in ClinVar:

NM_005476.7(GNE):c.737G>T (p.Arg246Leu)

Gene: GNE (glucosamine (UDP-N-acetyl)-2-epimerase/N-acetylmannosamine kinase; minus strand). Cytogenetic location: 9p13.3.
Variant type: single nucleotide variant.
Coding change: c.737G>T on transcript NM_005476.7 (MANE Select); coding-DNA position 737, G replaced by T.
Protein change: p.Arg246Leu; replaces arginine 246 with leucine.
Molecular consequence: missense variant. On other transcripts: intron variant (2).
Genome position (GRCh38, 1-based): chr9:36,236,864, C>A on the plus strand (G>T on the coding strand, the complement: GNE is on the minus strand). VCF-style: chr9-36236864-C-A. GRCh37 (hg19) VCF-style: chr9-36236861-C-A.
Other names: c.830G>T, p.Arg277Leu (NM_001128227.3); c.737G>T, p.Arg246Leu (NM_001190383.3); c.560G>T, p.Arg187Leu (NM_001190388.2, NM_001374798.1); c.440-2732G>T (NM_001190384.3); c.617-2732G>T (NM_001374797.1); short protein forms R187L, R246L, R277L.
Identifiers: ClinVar variation 1368023 (VCV001368023.5), dbSNP rs121908629, ClinGen allele CA373414843.
Genomic context (GRCh38, chr9:36,236,864, plus strand): 5'-GCATAATTTCATTTTCAAGTTCAATTACCTGCGTCAATATTTGGAAACAGGACTAGGGTC[C>A]GCTTGTTAAATGAGATAAGTGCATCCAATGTTAATTCAAACATTTTTATGGAATGCTTAA-3'
Protein context (NP_005467.1, residues 236-256): TLDALISFNK[Arg246Leu]TLVLFPNIDA

ClinVar aggregate classification (germline): Uncertain significance (1 of 4 stars; one submission).

Conditions:
Sialuria. Also called: Sialic Acid Storage Disease; SIALURIA, FRENCH TYPE. Identifiers: Orphanet 3166, MedGen C0342853, MONDO:0010028, OMIM 269921.
GNE myopathy (NM). Also called: NONAKA DISTAL MYOPATHY; INCLUSION BODY MYOPATHY, HEREDITARY, AUTOSOMAL RECESSIVE; INCLUSION BODY MYOPATHY 2, AUTOSOMAL RECESSIVE; IBM 2; Inclusion body myopathy autosomal recessive; Inclusion body myopathy quadriceps sparing. Identifiers: Orphanet 602, MedGen C1853926, MONDO:0011603, OMIM 605820.

gnomAD v4.1: 1 of 1,613,612 alleles (0.000062%); highest among the groups gnomAD compares: Non-Finnish European, 0.000085%; no homozygotes.

Submission:

Labcorp Genetics (formerly Invitae), Labcorp
Classification: Uncertain significance for Sialuria; GNE myopathy. Last evaluated: 2022-07-06. Review status: criteria provided, single submitter. Criteria: Invitae Variant Classification Sherloc (09022015). Collection method: clinical testing. Allele origin: germline.
Comment: This sequence change replaces arginine, which is basic and polar, with leucine, which is neutral and non-polar, at codon 277 of the GNE protein (p.Arg277Leu). This variant is not present in population databases (gnomAD no frequency). This missense change has been observed in individual(s) with autosomal recessive GNE-related myopathy (PMID: 25986339). This variant is also known as c.737G>T (p.R246L). ClinVar contains an entry for this variant (Variation ID: 1368023). Algorithms developed to predict the effect of missense changes on protein structure and function are either unavailable or do not agree on the potential impact of this missense change (SIFT: "Deleterious"; PolyPhen-2: "Benign"; Align-GVGD: "Class C0"). This variant disrupts the p.Arg277 amino acid residue in GNE. Other variant(s) that disrupt this residue have been determined to be pathogenic (PMID: 12409274, 15987957, 26231298). This suggests that this residue is clinically significant, and that variants that disrupt this residue are likely to be disease-causing. In summary, the available evidence is currently insufficient to determine the role of this variant in disease. Therefore, it has been classified as a Variant of Uncertain Significance.

Literature cited by the submitters: PubMed 25986339; PubMed 12409274; PubMed 15987957; PubMed 26231298.